The following is an entry in ClinVar:

ClinVar aggregate classification (germline): Pathogenic (1 of 4 stars; one submission).

Submission:

Labcorp Genetics (formerly Invitae), Labcorp
Classification: Pathogenic. Last evaluated: 2023-11-04. Review status: criteria provided, single submitter. Criteria: Invitae Variant Classification Sherloc (09022015). Collection method: clinical testing. Allele origin: germline.
Comment: This sequence change creates a premature translational stop signal (p.Leu179*) in the NBAS gene. It is expected to result in an absent or disrupted protein product. Loss-of-function variants in NBAS are known to be pathogenic (PMID: 26073778, 26541327, 27789416, 28031453). This variant is not present in population databases (gnomAD no frequency). This variant has not been reported in the literature in individuals affected with NBAS-related conditions. For these reasons, this variant has been classified as Pathogenic.

Literature cited by the submitters: PubMed 26073778; PubMed 26541327; PubMed 27789416; PubMed 28031453.

NM_015909.4(NBAS):c.536T>G (p.Leu179Ter)

Gene: NBAS (NBAS subunit of NRZ tethering complex; minus strand). Cytogenetic location: 2p24.3.
Variant type: single nucleotide variant.
Coding change: c.536T>G on transcript NM_015909.4 (MANE Select); coding-DNA position 536, T replaced by G.
Protein change: p.Leu179Ter; replaces leucine 179 with a stop codon.
Molecular consequence: nonsense. On other transcripts: non-coding transcript variant (1).
Genome position (GRCh38, 1-based): chr2:15,536,529, A>C on the plus strand (T>G on the coding strand, the complement: NBAS is on the minus strand). VCF-style: chr2-15536529-A-C. GRCh37 (hg19) VCF-style: chr2-15676653-A-C.
Other names: short protein forms L179*.
Identifiers: ClinVar variation 2839706 (VCV002839706.3), dbSNP rs2527939511, ClinGen allele CA345886409.
Genomic context (GRCh38, chr2:15,536,529, plus strand): 5'-GCAGACCACTGTGCACTTGCTTTATATTCTAAAAATATCAACCCAGCAATGGCATAGCTT[A>C]AGTCACCTATAAAACTAGATGCCTACAGAAGAGGGGGAAATTAAGTTACTAAAAAAAAAA-3'